The following is an entry in ClinVar:

NM_001197104.2(KMT2A):c.3970C>G (p.Pro1324Ala)

Gene: KMT2A (lysine methyltransferase 2A; plus strand). Cytogenetic location: 11q23.3.
Variant type: single nucleotide variant.
Coding change: c.3970C>G on transcript NM_001197104.2 (MANE Select); coding-DNA position 3970, C replaced by G.
Protein change: p.Pro1324Ala; replaces proline 1324 with alanine.
Molecular consequence: missense variant.
Genome position (GRCh38, 1-based): chr11:118,482,050, C>G. VCF-style: chr11-118482050-C-G. GRCh37 (hg19) VCF-style: chr11-118352765-C-G.
Other names: c.4069C>G, p.Pro1357Ala (NM_001412597.1); c.3970C>G, p.Pro1324Ala (NM_005933.4); short protein forms P1357A, P1324A.
Identifiers: ClinVar variation 4044416 (VCV004044416.2).

ClinVar aggregate classification (germline): Uncertain significance. Review status: criteria provided, multiple submitters, no conflicts (2 of 4 stars). 2 submissions from 2 submitters: Uncertain significance (2). Last evaluated 2025-07-27.

Conditions:
Inborn genetic diseases. Identifiers: MedGen C0950123, MeSH D030342.

gnomAD v4.1: 5 of 1,612,390 alleles (0.00031%); highest among the groups gnomAD compares: Non-Finnish European, 0.00034%; no homozygotes.

Submissions (2):

Labcorp Genetics (formerly Invitae), Labcorp
Classification: Uncertain significance. Last evaluated: 2025-07-27. Review status: criteria provided, single submitter. Criteria: Invitae Variant Classification Sherloc (09022015). Collection method: clinical testing. Allele origin: germline.
Comment: This sequence change replaces proline, which is neutral and non-polar, with alanine, which is neutral and non-polar, at codon 1324 of the KMT2A protein (p.Pro1324Ala). This variant is present in population databases (no rsID available, gnomAD 0.0009%). This variant has not been reported in the literature in individuals affected with KMT2A-related conditions. ClinVar contains an entry for this variant (Variation ID: 4044416). Invitae Evidence Modeling of protein sequence and biophysical properties (such as structural, functional, and spatial information, amino acid conservation, physicochemical variation, residue mobility, and thermodynamic stability) indicates that this missense variant is not expected to disrupt KMT2A protein function with a negative predictive value of 95%. In summary, the available evidence is currently insufficient to determine the role of this variant in disease. Therefore, it has been classified as a Variant of Uncertain Significance.

Ambry Genetics
Classification: Uncertain significance for Inborn genetic diseases. Last evaluated: 2025-04-25. Review status: criteria provided, single submitter. Criteria: Ambry Variant Classification Scheme 2023. Collection method: clinical testing. Allele origin: germline.